The following is an entry in ClinVar:

ClinVar aggregate classification (germline): Uncertain significance. Review status: criteria provided, single submitter (1 of 4 stars). 2 submissions from 2 submitters: Uncertain significance (1). 1 of the submissions does not count toward it. Last evaluated 2026-10-01.

Conditions:
DNHD1-related disorder. Also called: DNHD1-related condition.

Allele frequency attached by ClinVar (database versions not stated): ExAC 0.00010; 1000 Genomes Project 30x 0.00016; TOPMed 0.00030; gnomAD 0.00038; 1000 Genomes Project 0.00020; gnomAD exomes 0.00064.
gnomAD v4.1: 929 of 1,551,190 alleles (0.06%); highest among the groups gnomAD compares: Non-Finnish European, 0.076%; no homozygotes.

Submissions (2):

GeneDx
Classification: Uncertain significance. Last evaluated: 2026-10-01. Review status: criteria provided, single submitter. Criteria: GeneDx Variant Classification Process June 2021. Collection method: clinical testing. Allele origin: germline.
Comment: In silico analysis suggests that this missense variant does not alter protein structure/function; Has not been previously published as pathogenic or benign to our knowledge

PreventionGenetics, part of Exact Sciences
Classification: Uncertain significance for DNHD1-related condition. Last evaluated: 2024-05-09. Review status: no assertion criteria provided. Collection method: clinical testing. Allele origin: germline. Not counted in ClinVar's aggregate classification.
Comment: The DNHD1 c.8119G>A variant is predicted to result in the amino acid substitution p.Glu2707Lys. To our knowledge, this variant has not been reported in the literature. This variant is reported in 0.066% of alleles in individuals of European (Non-Finnish) descent in gnomAD, which may be too common to be a primary cause of disease. Although we suspect this variant is benign, at this time, the clinical significance of this variant is uncertain due to the absence of conclusive functional and genetic evidence.

NM_144666.3(DNHD1):c.8119G>A (p.Glu2707Lys)

Gene: DNHD1 (dynein heavy chain domain 1; plus strand). Cytogenetic location: 11p15.4.
Variant type: single nucleotide variant.
Coding change: c.8119G>A on transcript NM_144666.3 (MANE Select); coding-DNA position 8119, G replaced by A.
Protein change: p.Glu2707Lys; replaces glutamic acid 2707 with lysine.
Molecular consequence: missense variant.
Genome position (GRCh38, 1-based): chr11:6,557,414, G>A. VCF-style: chr11-6557414-G-A. GRCh37 (hg19) VCF-style: chr11-6578644-G-A.
Other names: short protein forms E2707K.
Identifiers: ClinVar variation 2636090 (VCV002636090.3), dbSNP rs553244185, ClinGen allele CA5856287.